The following is an entry in ClinVar:

NM_014363.6(SACS):c.1123G>A (p.Val375Ile)

Gene: SACS (sacsin molecular chaperone; minus strand). Cytogenetic location: 13q12.12.
Variant type: single nucleotide variant.
Coding change: c.1123G>A on transcript NM_014363.6 (MANE Select); coding-DNA position 1123, G replaced by A.
Protein change: p.Val375Ile; replaces valine 375 with isoleucine.
Molecular consequence: missense variant.
Genome position (GRCh38, 1-based): chr13:23,355,489, C>T on the plus strand (G>A on the coding strand, the complement: SACS is on the minus strand). VCF-style: chr13-23355489-C-T. GRCh37 (hg19) VCF-style: chr13-23929628-C-T.
Other names: p.Val375Ile; c.682G>A, p.Val228Ile (NM_001278055.2); short protein forms V228I, V375I.
Identifiers: ClinVar variation 2198046 (VCV002198046.5), dbSNP rs137924716, ClinGen allele CA6911966.

ClinVar aggregate classification (germline): Conflicting classifications of pathogenicity. Review status: criteria provided, conflicting classifications (1 of 4 stars). 2 submissions from 2 submitters: Uncertain significance (1); Benign (1). Last evaluated 2026-01-28.

Conditions:
Spastic paraplegia. Identifiers: MedGen C0037772, HP:0001258.

Allele frequency attached by ClinVar (database versions not stated): gnomAD 0.00003; TOPMed 0.00003; ExAC 0.00007; ESP Exome Variant Server 0.00023.
gnomAD v4.1: 38 of 1,613,954 alleles (0.0024%); highest among the groups gnomAD compares: African/African-American, 0.0027%; no homozygotes.

Submissions (2):

Labcorp Genetics (formerly Invitae), Labcorp
Classification: Benign for Spastic paraplegia. Last evaluated: 2026-01-28. Review status: criteria provided, single submitter. Criteria: Invitae Variant Classification Sherloc (09022015). Collection method: clinical testing. Allele origin: germline.

Mayo Clinic Laboratories, Mayo Clinic
Classification: Uncertain significance. Last evaluated: 2023-09-18. Review status: criteria provided, single submitter. Criteria: ACMG Guidelines, 2015. Collection method: clinical testing. Allele origin: germline. Observed: 1 variant allele.
Comment: BP4, PM2_moderate